The following is an entry in ClinVar:

ClinVar aggregate classification (germline): Pathogenic/Likely pathogenic. Review status: criteria provided, multiple submitters, no conflicts (2 of 4 stars). 3 submissions from 3 submitters: Pathogenic (1); Likely pathogenic (2). Last evaluated 2025-07-09.

Conditions:
Severe early-childhood-onset retinal dystrophy (STGD1). Also called: Stargardt macular dystrophy; Juvenile onset macular degeneration; Stargardt disease 1; MACULAR DYSTROPHY WITH FLECKS, TYPE 1; STGD. Identifiers: Orphanet 364055, Orphanet 827, MedGen C1855465, MeSH D000080362, MONDO:0009549, OMIM 248200.
Retinitis pigmentosa 19 (RP19). Also called: ABCA4-Related Retinitis Pigmentosa. Identifiers: Orphanet 791, MedGen C1866422, MONDO:0011137, OMIM 601718.
Cone-rod dystrophy 3 (CORD3). Identifiers: Orphanet 1872, MedGen C1858806, MONDO:0011395, OMIM 604116.
Age related macular degeneration 2. Also called: MACULAR DEGENERATION, SENILE; MACULOPATHY, AGE-RELATED, 2; MACULOPATHY, AGE-RELATED. Identifiers: MedGen C3495438, MONDO:0007932, OMIM 153800.
Stargardt disease (FFM). Also called: Stargardt's disease; Fundus flavimaculatus. Identifiers: Orphanet 827, MedGen C0271093, MONDO:0019353.

Allele frequency attached by ClinVar (database versions not stated): gnomAD 0.00001; gnomAD exomes below 0.00001; TOPMed 0.00001.
gnomAD v4.1: 2 of 1,199,684 alleles (0.00017%); highest among the groups gnomAD compares: African/African-American, 0.0035%; no homozygotes.

Submissions (3):

Women's Health and Genetics/Laboratory Corporation of America, LabCorp
Classification: Likely pathogenic for Stargardt disease. Last evaluated: 2025-07-09. Review status: criteria provided, single submitter. Criteria: LabCorp Variant Classification Summary - May 2015. Collection method: clinical testing. Allele origin: germline.
Comment: Variant summary: ABCA4 c.1342A>G (p.Met448Val) results in a conservative amino acid change in the encoded protein sequence. Algorithms developed to predict the effect of missense changes on protein structure and function are either unavailable or do not agree on the potential impact of this missense change. The variant was absent in 251430 control chromosomes. c.1342A>G has been observed in individual(s) affected with Stargardt Disease and related conditions (internal testing). These data indicate that the variant may be associated with disease. A different variant affecting the same codon has been classified as likely pathogenic/pathogenic by our lab (c.1343T>A, p.Met448Lys), supporting the critical relevance of codon 448 to ABCA4 protein function. To our knowledge, no experimental evidence demonstrating an impact on protein function has been reported. ClinVar contains an entry for this variant (Variation ID: 857394). Based on the evidence outlined above, the variant was classified as likely pathogenic.

Fulgent Genetics
Classification: Likely pathogenic for Age related macular degeneration 2; Severe early-childhood-onset retinal dystrophy; Retinitis pigmentosa 19; Cone-rod dystrophy 3. Last evaluated: 2024-06-17. Review status: criteria provided, single submitter. Criteria: ACMG Guidelines, 2015. Collection method: clinical testing. Allele origin: germline.

Labcorp Genetics (formerly Invitae), Labcorp
Classification: Pathogenic. Last evaluated: 2024-01-02. Review status: criteria provided, single submitter. Criteria: Invitae Variant Classification Sherloc (09022015). Collection method: clinical testing. Allele origin: germline.
Comment: This sequence change replaces methionine, which is neutral and non-polar, with valine, which is neutral and non-polar, at codon 448 of the ABCA4 protein (p.Met448Val). This variant is not present in population databases (gnomAD no frequency). This missense change has been observed in individuals with clinical features of ABCA4-related conditions (Invitae). ClinVar contains an entry for this variant (Variation ID: 857394). Advanced modeling of protein sequence and biophysical properties (such as structural, functional, and spatial information, amino acid conservation, physicochemical variation, residue mobility, and thermodynamic stability) performed at Invitae indicates that this missense variant is not expected to disrupt ABCA4 protein function with a negative predictive value of 95%. Algorithms developed to predict the effect of sequence changes on RNA splicing suggest that this variant may disrupt the consensus splice site. This variant disrupts the p.Met448 amino acid residue in ABCA4. Other variant(s) that disrupt this residue have been determined to be pathogenic (PMID: 26593885, 29847635). This suggests that this residue is clinically significant, and that variants that disrupt this residue are likely to be disease-causing. For these reasons, this variant has been classified as Pathogenic.

Literature cited by the submitters: PubMed 26593885 (cited by Labcorp Genetics (formerly Invitae), Labcorp); PubMed 29847635 (cited by Labcorp Genetics (formerly Invitae), Labcorp).

NM_000350.3(ABCA4):c.1342A>G (p.Met448Val)

Gene: ABCA4 (ATP binding cassette subfamily A member 4; minus strand). Cytogenetic location: 1p22.1.
Variant type: single nucleotide variant.
Coding change: c.1342A>G on transcript NM_000350.3 (MANE Select); coding-DNA position 1342, A replaced by G.
Protein change: p.Met448Val; replaces methionine 448 with valine.
Molecular consequence: missense variant.
Genome position (GRCh38, 1-based): chr1:94,078,604, T>C on the plus strand (A>G on the coding strand, the complement: ABCA4 is on the minus strand). VCF-style: chr1-94078604-T-C. GRCh37 (hg19) VCF-style: chr1-94544160-T-C.
Other names: c.1342A>G, p.Met448Val (NM_001425324.1); short protein forms M448V.
Identifiers: ClinVar variation 857394 (VCV000857394.10), dbSNP rs1169850759, ClinGen allele CA341282274.